The following is an entry in ClinVar:

ClinVar aggregate classification (germline): Uncertain significance. Review status: criteria provided, multiple submitters, no conflicts (2 of 4 stars). 4 submissions from 4 submitters: Uncertain significance (4). Last evaluated 2025-03-18.

Conditions:
Cardiovascular phenotype. Identifiers: MedGen CN230736.
Long QT syndrome (LQTS). Identifiers: MedGen C0023976, MeSH D008133, MONDO:0002442. Disease mechanism: loss of function. Inheritance: Various modes of inheritance.
Cardiac arrhythmia, ankyrin-B-related. Also called: ANKYRIN-B SYNDROME. Identifiers: Orphanet 101016, Orphanet 768, MedGen C1970119, MONDO:0010958, OMIM 600919.

Allele frequency attached by ClinVar (database versions not stated): ExAC 0.00001; gnomAD exomes 0.00001 and 0.00004; gnomAD 0.00002; TOPMed 0.00002.
gnomAD v4.1: 26 of 1,613,952 alleles (0.0016%); highest among the groups gnomAD compares: Admixed American, 0.0067%; no homozygotes.

Submissions (4):

Labcorp Genetics (formerly Invitae), Labcorp
Classification: Uncertain significance for Long QT syndrome. Last evaluated: 2025-03-18. Review status: criteria provided, single submitter. Criteria: Invitae Variant Classification Sherloc (09022015). Collection method: clinical testing. Allele origin: germline.
Comment: This sequence change replaces glutamic acid, which is acidic and polar, with lysine, which is basic and polar, at codon 2728 of the ANK2 protein (p.Glu2728Lys). This variant is present in population databases (rs756424757, gnomAD 0.06%). This variant has not been reported in the literature in individuals affected with ANK2-related conditions. ClinVar contains an entry for this variant (Variation ID: 457058). An algorithm developed to predict the effect of missense changes on protein structure and function (PolyPhen-2) suggests that this variant is likely to be disruptive. In summary, the available evidence is currently insufficient to determine the role of this variant in disease. Therefore, it has been classified as a Variant of Uncertain Significance.

Ambry Genetics
Classification: Uncertain significance for Cardiovascular phenotype. Last evaluated: 2024-09-08. Review status: criteria provided, single submitter. Criteria: Ambry Variant Classification Scheme 2023. Collection method: clinical testing. Allele origin: germline.

Fulgent Genetics
Classification: Uncertain significance for Cardiac arrhythmia, ankyrin-B-related. Last evaluated: 2021-07-01. Review status: criteria provided, single submitter. Criteria: ACMG Guidelines, 2015. Collection method: clinical testing. Allele origin: unknown.

GeneDx
Classification: Uncertain significance. Last evaluated: 2021-05-27. Review status: criteria provided, single submitter. Criteria: GeneDx Variant Classification Process June 2021. Collection method: clinical testing. Allele origin: germline. Affected: yes.
Comment: Has not been previously published as pathogenic or benign to our knowledge; Reported in ClinVar as a variant of uncertain significance (ClinVar Variant ID#457058; Landrum et al., 2016); In silico analysis supports that this missense variant does not alter protein structure/function; Located in exon 38, which is reported as being expressed in a brain-specific transcript (Otto et al, 1991; Cunha et al, 2008; Wu et al, 2015)

NM_001148.6(ANK2):c.8182G>A (p.Glu2728Lys)

Gene: ANK2 (ankyrin 2; plus strand). Cytogenetic location: 4q26.
Variant type: single nucleotide variant.
Coding change: c.8182G>A on transcript NM_001148.6 (MANE Select); coding-DNA position 8182, G replaced by A.
Protein change: p.Glu2728Lys; replaces glutamic acid 2728 with lysine.
Molecular consequence: missense variant. On other transcripts: intron variant (68).
Genome position (GRCh38, 1-based): chr4:113,356,800, G>A. VCF-style: chr4-113356800-G-A. GRCh37 (hg19) VCF-style: chr4-114277956-G-A.
Other names: c.7948G>A, p.Glu2650Lys (NM_001386142.1); c.4582G>A, p.Glu1528Lys (NM_001386166.1); c.8323G>A, p.Glu2775Lys (NM_001386174.1); c.8299G>A, p.Glu2767Lys (NM_001386175.1); c.4412-4023G>A (NM_001386186.2, NM_001386148.2); c.4214-4023G>A (NM_001354269.3); c.4292-4023G>A (NM_001386187.2); c.4253-4023G>A (NM_001386147.1); and 35 more; short protein forms E2728K, E1528K, E2650K, E2767K, E2775K.
Identifiers: ClinVar variation 457058 (VCV000457058.12), dbSNP rs756424757, ClinGen allele CA3051728.
Genomic context (GRCh38, chr4:113,356,800, plus strand): 5'-GTACAATTCCAGCCTGTCGTTTCCAAACAATATACTTTCAAGATGAATGAAGATACTCAG[G>A]AAGAGCCAGGCAAATCAGAAGAAGAAAAAGATTCTGAATCCCATTTAGCTGAAGACCGTC-3'
Protein context (NP_001139.3, residues 2718-2738): YTFKMNEDTQ[Glu2728Lys]EPGKSEEEKD